The following is an entry in ClinVar:

NM_001267550.2(TTN):c.82852A>T (p.Thr27618Ser)

Genes: TTN (titin; minus strand), TTN-AS1 (TTN antisense RNA 1; plus strand). Cytogenetic location: 2q31.2.
Variant type: single nucleotide variant.
Coding change: c.82852A>T on transcript NM_001267550.2 (MANE Select); coding-DNA position 82852, A replaced by T.
Protein change: p.Thr27618Ser; replaces threonine 27618 with serine.
Molecular consequence: missense variant.
Genome position (GRCh38, 1-based): chr2:178,563,280, T>A on the plus strand (A>T on the coding strand, the complement: TTN is on the minus strand). VCF-style: chr2-178563280-T-A. GRCh37 (hg19) VCF-style: chr2-179428007-T-A.
Other names: c.77929A>T, p.Thr25977Ser (NM_001256850.1); c.55657A>T, p.Thr18553Ser (NM_003319.4); c.75148A>T, p.Thr25050Ser (NM_133378.4); c.56032A>T, p.Thr18678Ser (NM_133432.3); c.56233A>T, p.Thr18745Ser (NM_133437.4); short protein forms T25977S, T27618S, T18678S, T18553S, T18745S, T25050S.
Identifiers: ClinVar variation 1748330 (VCV001748330.2), dbSNP rs2468156412, ClinGen allele CA349571092.

ClinVar aggregate classification (germline): Uncertain significance (1 of 4 stars; one submission).

Conditions:
Cardiovascular phenotype. Identifiers: MedGen CN230736.

Submission:

Ambry Genetics
Classification: Uncertain significance for Cardiovascular phenotype. Last evaluated: 2020-08-04. Review status: criteria provided, single submitter. Criteria: Ambry Variant Classification Scheme 2023. Collection method: clinical testing. Allele origin: germline.
Comment: The p.T18553S variant (also known as c.55657A>T), located in coding exon 153 of the TTN gene, results from an A to T substitution at nucleotide position 55657. The threonine at codon 18553 is replaced by serine, an amino acid with similar properties. This amino acid position is well conserved in available vertebrate species. In addition, this alteration is predicted to be tolerated by in silico analysis. Since supporting evidence is limited at this time, the clinical significance of this alteration remains unclear.